The following is an entry in ClinVar:

ClinVar aggregate classification (germline): Uncertain significance (1 of 4 stars; one submission).

Allele frequency attached by ClinVar (database versions not stated): gnomAD exomes below 0.00001; TOPMed 0.00001.

Submission:

Labcorp Genetics (formerly Invitae), Labcorp
Classification: Uncertain significance. Last evaluated: 2021-12-29. Review status: criteria provided, single submitter. Criteria: Invitae Variant Classification Sherloc (09022015). Collection method: clinical testing. Allele origin: germline.
Comment: In summary, the available evidence is currently insufficient to determine the role of this variant in disease. Therefore, it has been classified as a Variant of Uncertain Significance. Algorithms developed to predict the effect of missense changes on protein structure and function (SIFT, PolyPhen-2, Align-GVGD) all suggest that this variant is likely to be tolerated. This variant has not been reported in the literature in individuals affected with ORC1-related conditions. This variant is not present in population databases (gnomAD no frequency). This sequence change replaces methionine, which is neutral and non-polar, with valine, which is neutral and non-polar, at codon 808 of the ORC1 protein (p.Met808Val).

NM_004153.4(ORC1):c.2422A>G (p.Met808Val)

Gene: ORC1 (origin recognition complex subunit 1; minus strand). Cytogenetic location: 1p32.3.
Variant type: single nucleotide variant.
Coding change: c.2422A>G on transcript NM_004153.4 (MANE Select); coding-DNA position 2422, A replaced by G.
Protein change: p.Met808Val; replaces methionine 808 with valine.
Molecular consequence: missense variant.
Genome position (GRCh38, 1-based): chr1:52,373,345, T>C on the plus strand (A>G on the coding strand, the complement: ORC1 is on the minus strand). VCF-style: chr1-52373345-T-C. GRCh37 (hg19) VCF-style: chr1-52839017-T-C.
Other names: c.2422A>G, p.Met808Val (NM_001190818.2); c.2407A>G, p.Met803Val (NM_001190819.2); short protein forms M803V, M808V.
Identifiers: ClinVar variation 2151874 (VCV002151874.2), dbSNP rs1308119824, ClinGen allele CA340344188.